The following is an entry in ClinVar:

NM_000465.4(BARD1):c.158+13del

Gene: BARD1 (BRCA1 associated RING domain 1; minus strand). Cytogenetic location: 2q35.
Variant type: Deletion.
Coding change: c.158+13del on transcript NM_000465.4 (MANE Select); 13 bases into the intron after coding-DNA position 158, one base deleted (C; older notation c.158+13delC).
Molecular consequence: intron variant.
Genome position (GRCh38, 1-based): chr2:214,809,399, G deleted on the plus strand (C on the coding strand, the reverse complement: BARD1 is on the minus strand). VCF-style (leftmost placement, unchanged base first): chr2-214809398-AG-A. GRCh37 (hg19) VCF-style: chr2-215674122-AG-A.
Other names: c.158+13del (NM_001282548.2, NM_001282543.2, NM_001282545.2 and 2 more transcripts).
Identifiers: ClinVar variation 420422 (VCV000420422.1), dbSNP rs1064794469, ClinGen allele CA16617458.

ClinVar aggregate classification (germline): Likely benign (1 of 4 stars; one submission).

Submission:

GeneDx
Classification: Likely benign. Last evaluated: 2016-01-26. Review status: criteria provided, single submitter. Criteria: GeneDx Variant Classification (06012015). Collection method: clinical testing. Allele origin: germline. Affected: yes.
Comment: This variant is considered likely benign or benign based on one or more of the following criteria: it is a conservative change, it occurs at a poorly conserved position in the protein, it is predicted to be benign by multiple in silico algorithms, and/or has population frequency not consistent with disease.